The following is an entry in ClinVar:

ClinVar aggregate classification (germline): Uncertain significance. Review status: criteria provided, multiple submitters, no conflicts (2 of 4 stars). 2 submissions from 2 submitters: Uncertain significance (2). Last evaluated 2025-07-10.

Conditions:
Hereditary cancer-predisposing syndrome. Also called: Neoplastic Syndromes, Hereditary; Hereditary Cancer Syndrome; Tumor predisposition; Hereditary neoplastic syndrome. Identifiers: Orphanet 140162, MedGen C0027672, MeSH D009386, MONDO:0015356.
Retinoblastoma (RB1). Also called: RETINOBLASTOMA, SOMATIC. Identifiers: Orphanet 790, MedGen C0035335, MeSH D012175, MONDO:0008380, OMIM 180200, HP:0009919. Disease mechanism: loss of function. Inheritance: Both sporadic and heritable forms are tested..

Submissions (2):

Ambry Genetics
Classification: Uncertain significance for Hereditary cancer-predisposing syndrome. Last evaluated: 2025-07-10. Review status: criteria provided, single submitter. Criteria: Ambry Variant Classification Scheme 2023. Collection method: clinical testing. Allele origin: germline.
Comment: The p.E352Q variant (also known as c.1054G>C), located in coding exon 11 of the RB1 gene, results from a G to C substitution at nucleotide position 1054. The glutamic acid at codon 352 is replaced by glutamine, an amino acid with highly similar properties. This amino acid position is well conserved in available vertebrate species. In addition, this alteration is predicted to be tolerated by in silico analysis. Based on the available evidence, the clinical significance of this variant remains unclear.

Labcorp Genetics (formerly Invitae), Labcorp
Classification: Uncertain significance for Retinoblastoma. Last evaluated: 2023-08-30. Review status: criteria provided, single submitter. Criteria: Invitae Variant Classification Sherloc (09022015). Collection method: clinical testing. Allele origin: germline.
Comment: This sequence change replaces glutamic acid, which is acidic and polar, with glutamine, which is neutral and polar, at codon 352 of the RB1 protein (p.Glu352Gln). This variant is not present in population databases (gnomAD no frequency). This variant has not been reported in the literature in individuals affected with RB1-related conditions. Advanced modeling of protein sequence and biophysical properties (such as structural, functional, and spatial information, amino acid conservation, physicochemical variation, residue mobility, and thermodynamic stability) performed at Invitae indicates that this missense variant is not expected to disrupt RB1 protein function. In summary, the available evidence is currently insufficient to determine the role of this variant in disease. Therefore, it has been classified as a Variant of Uncertain Significance.

NM_000321.3(RB1):c.1054G>C (p.Glu352Gln)

Gene: RB1 (RB transcriptional corepressor 1; plus strand). Cytogenetic location: 13q14.2.
Variant type: single nucleotide variant.
Coding change: c.1054G>C on transcript NM_000321.3 (MANE Select); coding-DNA position 1054, G replaced by C.
Protein change: p.Glu352Gln; replaces glutamic acid 352 with glutamine.
Molecular consequence: missense variant.
Genome position (GRCh38, 1-based): chr13:48,368,531, G>C. VCF-style: chr13-48368531-G-C. GRCh37 (hg19) VCF-style: chr13-48942667-G-C.
Other names: c.1054G>C, p.Glu352Gln (NM_001407165.1, NM_001407166.1); short protein forms E352Q.
Identifiers: ClinVar variation 2919864 (VCV002919864.2), dbSNP rs2542189722, ClinGen allele CA388161074.